The following is an entry in ClinVar:

ClinVar aggregate classification (germline): Uncertain significance (1 of 4 stars; one submission).

Conditions:
Mirror movements 1 (MRMV1). Identifiers: Orphanet 238722, MedGen C1834870, OMIM 157600, MONDO:0008002.

Submission:

Broad Center for Mendelian Genomics, Broad Institute of MIT and Harvard
Classification: Uncertain significance for Mirror movements 1. Last evaluated: 2023-08-24. Review status: criteria provided, single submitter. Criteria: ACMG/ClinGen CNV Guidelines, 2019. Collection method: research. Allele origin: de novo. Inheritance: Autosomal dominant inheritance. Affected: yes.
Comment: These breakpoints have been estimated by exome sequencing only and therefore may not reflect the true breakpoints. The patient phenotype is nonspecific, but is consistent with cases described in the literature and/or published databases with overlapping variants. This variant is a deletion of eight exons and is not predicted to alter the protein reading-frame. This deletion is expected to impact the protein. Loss of function of DCC is an established disease mechanism in autosomal dominant mirror movements 1 and/or agenesis of the corpus callosum. In summary, while there is some suspicion for a pathogenic role, the clinical significance of this variant is uncertain. The ACMG/ClinGen evidence codes and points used in this curation are as follows: 1: 0 points, 2: 0.45 points, 3: 0 points, 4-5: 0.15 points; Total: 0.60 points; Riggs 2020 (PMID: 31690835)

GRCh38/hg38 18q21.2(chr18:53157259-53340005)x1

Genes: DCC (DCC netrin 1 receptor; plus strand), MIR4528 (microRNA 4528; plus strand). Cytogenetic location: 18q21.2.
Variant type: copy number loss.
Change: copy number 1 (one copy instead of two) of chr18:53,157,259-53,340,005 (182.7 kb, GRCh38 coordinates, 1-based), cytogenetic band 18q21.2.
Identifiers: ClinVar variation 2579282 (VCV002579282.1).